The following is an entry in ClinVar:

ClinVar aggregate classification (germline): Uncertain significance. Review status: criteria provided, multiple submitters, no conflicts (2 of 4 stars). 2 submissions from 2 submitters: Uncertain significance (2). Last evaluated 2024-06-17.

Conditions:
Fanconi anemia complementation group I (FANCI). Also called: FANCI-Related Fanconi Anemia. Identifiers: Orphanet 84, MedGen C1836861, MONDO:0012186, OMIM 609053.
Fanconi anemia (FA). Also called: Fanconi's anemia. Identifiers: Orphanet 84, MedGen C0015625, MeSH D005199, MONDO:0019391.

Submissions (2):

Fulgent Genetics
Classification: Uncertain significance for Fanconi anemia complementation group I. Last evaluated: 2024-06-17. Review status: criteria provided, single submitter. Criteria: ACMG Guidelines, 2015. Collection method: clinical testing. Allele origin: germline.

Labcorp Genetics (formerly Invitae), Labcorp
Classification: Uncertain significance for Fanconi anemia. Last evaluated: 2024-02-23. Review status: criteria provided, single submitter. Criteria: Invitae Variant Classification Sherloc (09022015). Collection method: clinical testing. Allele origin: germline.
Comment: This sequence change replaces aspartic acid, which is acidic and polar, with glutamic acid, which is acidic and polar, at codon 15 of the FANCI protein (p.Asp15Glu). This variant is not present in population databases (gnomAD no frequency). This variant has not been reported in the literature in individuals affected with FANCI-related conditions. ClinVar contains an entry for this variant (Variation ID: 1415533). Advanced modeling of protein sequence and biophysical properties (such as structural, functional, and spatial information, amino acid conservation, physicochemical variation, residue mobility, and thermodynamic stability) performed at Invitae indicates that this missense variant is not expected to disrupt FANCI protein function with a negative predictive value of 80%. In summary, the available evidence is currently insufficient to determine the role of this variant in disease. Therefore, it has been classified as a Variant of Uncertain Significance.

NM_001113378.2(FANCI):c.45C>G (p.Asp15Glu)

Gene: FANCI (FA complementation group I; plus strand). Cytogenetic location: 15q26.1.
Variant type: single nucleotide variant.
Coding change: c.45C>G on transcript NM_001113378.2 (MANE Select); coding-DNA position 45, C replaced by G.
Protein change: p.Asp15Glu; replaces aspartic acid 15 with glutamic acid.
Molecular consequence: missense variant. On other transcripts: 5 prime UTR variant (1).
Genome position (GRCh38, 1-based): chr15:89,247,692, C>G. VCF-style: chr15-89247692-C-G. GRCh37 (hg19) VCF-style: chr15-89790923-C-G.
Other names: c.-230C>G (NM_001376910.1); c.45C>G, p.Asp15Glu (NM_001376911.1, NM_018193.3); short protein forms D15E.
Identifiers: ClinVar variation 1415533 (VCV001415533.7), dbSNP rs765811874, ClinGen allele CA393736357.